The following is an entry in ClinVar:

ClinVar aggregate classification (germline): Uncertain significance (1 of 4 stars; one submission).

Conditions:
Aortic aneurysm, familial thoracic 4 (AAT4). Also called: AORTIC ANEURYSM/AORTIC DISSECTION AND PATENT DUCTUS ARTERIOSUS. Identifiers: MedGen C1851504, MONDO:0007568, OMIM 132900.

Submission:

Labcorp Genetics (formerly Invitae), Labcorp
Classification: Uncertain significance for Aortic aneurysm, familial thoracic 4. Last evaluated: 2025-04-22. Review status: criteria provided, single submitter. Criteria: Invitae Variant Classification Sherloc (09022015). Collection method: clinical testing. Allele origin: germline.
Comment: This sequence change replaces isoleucine, which is neutral and non-polar, with asparagine, which is neutral and polar, at codon 743 of the MYH11 protein (p.Ile743Asn). Information on the frequency of this variant in the gnomAD database is not available, as this variant may be reported differently in the database. This variant has not been reported in the literature in individuals affected with MYH11-related conditions. An algorithm developed to predict the effect of missense changes on protein structure and function (PolyPhen-2) suggests that this variant is likely to be disruptive. In summary, the available evidence is currently insufficient to determine the role of this variant in disease. Therefore, it has been classified as a Variant of Uncertain Significance.

NM_002474.3(MYH11):c.2207_2208delinsAT (p.Ile736Asn)

Gene: MYH11 (myosin heavy chain 11; minus strand). Cytogenetic location: 16p13.11.
Variant type: Indel.
Coding change: c.2207_2208delinsAT on transcript NM_002474.3 (MANE Select); coding-DNA positions 2207 to 2208, TC replaced by AT.
Protein change: p.Ile736Asn; replaces isoleucine 736 with asparagine.
Molecular consequence: missense variant.
Genome position (GRCh38, 1-based): chr16:15,747,916-15,747,917, GA replaced by AT on the plus strand (TC replaced by AT on the coding strand, the reverse complement: MYH11 is on the minus strand). VCF-style: chr16-15747916-GA-AT. GRCh37 (hg19) VCF-style: chr16-15841773-GA-AT.
Other names: c.2228_2229delinsAT, p.Ile743Asn (NM_001040113.2, NM_001040114.2); c.2207_2208delinsAT, p.Ile736Asn (NM_022844.3); short protein forms I736N, I743N.
Identifiers: ClinVar variation 4702428 (VCV004702428.1).